The following is an entry in ClinVar:

NM_012092.4(ICOS):c.*859A>T

Gene: ICOS (inducible T cell costimulator; plus strand). Cytogenetic location: 2q33.2.
Variant type: single nucleotide variant.
Coding change: c.*859A>T on transcript NM_012092.4 (MANE Select); 859 bases downstream of the stop codon, A replaced by T.
Molecular consequence: 3 prime UTR variant.
Genome position (GRCh38, 1-based): chr2:203,960,458, A>T. VCF-style: chr2-203960458-A-T. GRCh37 (hg19) VCF-style: chr2-204825181-A-T.
Other names: NC_000002.11:g.204825181A>T.
Identifiers: ClinVar variation 333745 (VCV000333745.7), dbSNP rs10932036, ClinGen allele CA10612109.

ClinVar aggregate classification (germline): Benign. Review status: criteria provided, multiple submitters, no conflicts (2 of 4 stars). 2 submissions from 2 submitters: Benign (2). Last evaluated 2018-01-12.

Conditions:
Immunodeficiency, common variable, 1. Also called: ANTIBODY DEFICIENCY DUE TO ICOS DEFECT. Identifiers: Orphanet 1572, Orphanet 695183, MedGen C3149378, MONDO:0011864, OMIM 607594.

Allele frequency attached by ClinVar (database versions not stated): 1000 Genomes Project 0.06270; 1000 Genomes Project 30x 0.06527; TOPMed 0.07805; gnomAD 0.08156 and 0.08225.

Submissions (10):

Illumina Laboratory Services, Illumina
Classification: Benign for Immunodeficiency, common variable, 1. Last evaluated: 2018-01-12. Review status: criteria provided, single submitter. Criteria: ICSL Variant Classification Criteria 13 December 2019. Collection method: clinical testing. Allele origin: germline.
Comment: This variant was observed in the ICSL laboratory as part of a predisposition screen in an ostensibly healthy population. It had not been previously curated by ICSL or reported in the Human Gene Mutation Database (HGMD: prior to June 1st, 2018), and was therefore a candidate for classification through an automated scoring system. Utilizing variant allele frequency, disease prevalence and penetrance estimates, and inheritance mode, an automated score was calculated to assess if this variant is too frequent to cause the disease. Based on the score and internal cut-off values, a variant classified as benign is not then subjected to further curation. The score for this variant resulted in a classification of benign for this disease.

Breakthrough Genomics
Classification: Benign. Review status: criteria provided, single submitter. Criteria: ACMG Guidelines, 2015. Collection method: not provided. Allele origin: germline. Inheritance: Autosomal recessive inheritance. Affected: yes.

Dr. Peter K. Rogan Lab, Western University
No classification provided (evidence only). Condition: Acute myeloid leukemia. Review status: no classification provided. Collection method: in vitro. Allele origin: not applicable. Functional consequence: retained intron. Not counted in ClinVar's aggregate classification.

Dr. Peter K. Rogan Lab, Western University
No classification provided (evidence only). Condition: Acute myeloid leukemia. Review status: no classification provided. Collection method: in vitro. Allele origin: not applicable. Functional consequence: retained intron. Not counted in ClinVar's aggregate classification.

Dr. Peter K. Rogan Lab, Western University
No classification provided (evidence only). Condition: Acute myeloid leukemia. Review status: no classification provided. Collection method: in vitro. Allele origin: not applicable. Functional consequence: retained intron. Not counted in ClinVar's aggregate classification.

Dr. Peter K. Rogan Lab, Western University
No classification provided (evidence only). Condition: Ovarian serous cystadenocarcinoma. Review status: no classification provided. Collection method: in vitro. Allele origin: not applicable. Functional consequence: retained intron. Not counted in ClinVar's aggregate classification.

Dr. Peter K. Rogan Lab, Western University
No classification provided (evidence only). Condition: Ovarian serous cystadenocarcinoma. Review status: no classification provided. Collection method: in vitro. Allele origin: not applicable. Functional consequence: retained intron. Not counted in ClinVar's aggregate classification.

Dr. Peter K. Rogan Lab, Western University
No classification provided (evidence only). Condition: Ovarian serous cystadenocarcinoma. Review status: no classification provided. Collection method: in vitro. Allele origin: not applicable. Functional consequence: retained intron. Not counted in ClinVar's aggregate classification.

Dr. Peter K. Rogan Lab, Western University
No classification provided (evidence only). Condition: Ovarian serous cystadenocarcinoma. Review status: no classification provided. Collection method: in vitro. Allele origin: not applicable. Functional consequence: retained intron. Not counted in ClinVar's aggregate classification.

Dr. Peter K. Rogan Lab, Western University
No classification provided (evidence only). Condition: Ovarian serous cystadenocarcinoma. Review status: no classification provided. Collection method: in vitro. Allele origin: not applicable. Functional consequence: retained intron. Not counted in ClinVar's aggregate classification.